The following is an entry in ClinVar:

NM_000038.6(APC):c.5521G>C (p.Asp1841His)

Gene: APC (APC regulator of Wnt signaling pathway; plus strand). Cytogenetic location: 5q22.2.
Variant type: single nucleotide variant.
Coding change: c.5521G>C on transcript NM_000038.6 (MANE Select); coding-DNA position 5521, G replaced by C.
Protein change: p.Asp1841His; replaces aspartic acid 1841 with histidine.
Molecular consequence: missense variant.
Genome position (GRCh38, 1-based): chr5:112,841,115, G>C. VCF-style: chr5-112841115-G-C. GRCh37 (hg19) VCF-style: chr5-112176812-G-C.
Other names: c.5521G>C, p.Asp1841His (NM_001127510.3, NM_001354895.2, NM_001407450.1); c.5467G>C, p.Asp1823His (NM_001127511.3); c.5575G>C, p.Asp1859His (NM_001354896.2, NM_001407447.1, NM_001407448.1 and 1 more transcripts); c.5551G>C, p.Asp1851His (NM_001354897.2); c.5446G>C, p.Asp1816His (NM_001354898.2); c.5437G>C, p.Asp1813His (NM_001354899.2); c.5398G>C, p.Asp1800His (NM_001354900.2); c.5344G>C, p.Asp1782His (NM_001354901.2, NM_001407453.1); and 11 more; short protein forms D1457H, D1740H, D1869H, D1558H, D1758H, D1782H, D1816H, D1823H.
Identifiers: ClinVar variation 2037543 (VCV002037543.4), dbSNP rs76306073, ClinGen allele CA16033412.

ClinVar aggregate classification (germline): Uncertain significance (1 of 4 stars; one submission).

Conditions:
Familial adenomatous polyposis 1 (FAP1). Also called: POLYPOSIS, ADENOMATOUS INTESTINAL; FAMILIAL ADENOMATOUS POLYPOSIS 1, ATTENUATED. Identifiers: MedGen C2713442, MONDO:0021056, OMIM 175100. Disease mechanism: loss of function.

Submission:

Labcorp Genetics (formerly Invitae), Labcorp
Classification: Uncertain significance for Familial adenomatous polyposis 1. Last evaluated: 2021-12-08. Review status: criteria provided, single submitter. Criteria: Invitae Variant Classification Sherloc (09022015). Collection method: clinical testing. Allele origin: germline.
Comment: This sequence change replaces aspartic acid, which is acidic and polar, with histidine, which is basic and polar, at codon 1841 of the APC protein (p.Asp1841His). This variant is not present in population databases (gnomAD no frequency). This variant has not been reported in the literature in individuals affected with APC-related conditions. Algorithms developed to predict the effect of missense changes on protein structure and function are either unavailable or do not agree on the potential impact of this missense change (SIFT: "Deleterious"; PolyPhen-2: "Probably Damaging"; Align-GVGD: "Class C0"). In summary, the available evidence is currently insufficient to determine the role of this variant in disease. Therefore, it has been classified as a Variant of Uncertain Significance.